The following is an entry in ClinVar:

NM_001184.4(ATR):c.5263C>G (p.Gln1755Glu)

Gene: ATR (ATR checkpoint kinase; minus strand). Cytogenetic location: 3q23.
Variant type: single nucleotide variant.
Coding change: c.5263C>G on transcript NM_001184.4 (MANE Select); coding-DNA position 5263, C replaced by G.
Protein change: p.Gln1755Glu; replaces glutamine 1755 with glutamic acid.
Molecular consequence: missense variant.
Genome position (GRCh38, 1-based): chr3:142,503,387, G>C on the plus strand (C>G on the coding strand, the complement: ATR is on the minus strand). VCF-style: chr3-142503387-G-C. GRCh37 (hg19) VCF-style: chr3-142222229-G-C.
Other names: c.5071C>G, p.Gln1691Glu (NM_001354579.2); short protein forms Q1691E, Q1755E.
Identifiers: ClinVar variation 3221202 (VCV003221202.1), dbSNP rs2473182508, ClinGen allele CA354818351.
Genomic context (GRCh38, chr3:142,503,387, plus strand): 5'-CAATAACAAAAGAAAATCATTTTATAAAATATTACCTGTTAGCATGCACTCCATTCACCT[G>C]AGTGATAACAGTAGACAGCTGACCAAGACCTAACATGGACTTTACTACACCATGATAATG-3'
Protein context (NP_001175.2, residues 1745-1765): GLGQLSTVIT[Gln1755Glu]VNGVHANRSE

ClinVar aggregate classification (germline): Uncertain significance (1 of 4 stars; one submission).

Conditions:
Inborn genetic diseases. Identifiers: MedGen C0950123, MeSH D030342.

Submission:

Ambry Genetics
Classification: Uncertain significance for Inborn genetic diseases. Last evaluated: 2024-03-06. Review status: criteria provided, single submitter. Criteria: Ambry Variant Classification Scheme 2023. Collection method: clinical testing. Allele origin: germline.
Comment: The p.Q1755E variant (also known as c.5263C>G), located in coding exon 30 of the ATR gene, results from a C to G substitution at nucleotide position 5263. The glutamine at codon 1755 is replaced by glutamic acid, an amino acid with highly similar properties. This amino acid position is conserved. In addition, the in silico prediction for this alteration is inconclusive. Based on the available evidence, the clinical significance of this alteration remains unclear.